The following is an entry in ClinVar:

ClinVar aggregate classification (germline): Uncertain significance. Review status: criteria provided, multiple submitters, no conflicts (2 of 4 stars). 2 submissions from 2 submitters: Uncertain significance (2). Last evaluated 2025-10-28.

Conditions:
Ehlers-Danlos syndrome, dermatosparaxis type. Also called: EDS VIIC; Ehlers-Danlos syndrome, type VII, autosomal recessive; Dermatosparaxis. Identifiers: Orphanet 1901, MedGen C2700425, MONDO:0009161, OMIM 225410.

Allele frequency attached by ClinVar (database versions not stated): gnomAD exomes 0.00001 and 0.00002; ExAC 0.00002; gnomAD 0.00003; TOPMed 0.00004.
gnomAD v4.1: 27 of 1,613,986 alleles (0.0017%); highest among the groups gnomAD compares: South Asian, 0.0088%; no homozygotes.

Submissions (2):

Women's Health and Genetics/Laboratory Corporation of America, LabCorp
Classification: Uncertain significance. Last evaluated: 2025-10-28. Review status: criteria provided, single submitter. Criteria: LabCorp Variant Classification Summary - May 2015. Collection method: clinical testing. Allele origin: germline.
Comment: Variant summary: ADAMTS2 c.3398G>A (p.Arg1133Gln) results in a conservative amino acid change in the encoded protein sequence. Algorithms developed to predict the effect of missense changes on protein structure and function all suggest that this variant is likely to be tolerated. The variant allele was found at a frequency of 2e-05 in 251384 control chromosomes. The available data on variant occurrences in the general population are insufficient to allow any conclusion about variant significance. To our knowledge, no occurrence of c.3398G>A in individuals affected with ADAMTS2-related conditions and no experimental evidence demonstrating its impact on protein function have been reported. ClinVar contains an entry for this variant (Variation ID: 1426616). Based on the evidence outlined above, the variant was classified as uncertain significance.

Labcorp Genetics (formerly Invitae), Labcorp
Classification: Uncertain significance for Ehlers-Danlos syndrome, dermatosparaxis type. Last evaluated: 2022-06-13. Review status: criteria provided, single submitter. Criteria: Invitae Variant Classification Sherloc (09022015). Collection method: clinical testing. Allele origin: germline.
Comment: This sequence change replaces arginine, which is basic and polar, with glutamine, which is neutral and polar, at codon 1133 of the ADAMTS2 protein (p.Arg1133Gln). This variant is present in population databases (rs761111411, gnomAD 0.01%). This variant has not been reported in the literature in individuals affected with ADAMTS2-related conditions. Algorithms developed to predict the effect of missense changes on protein structure and function output the following: SIFT: "Tolerated"; PolyPhen-2: "Benign"; Align-GVGD: "Class C0". The glutamine amino acid residue is found in multiple mammalian species, which suggests that this missense change does not adversely affect protein function. In summary, the available evidence is currently insufficient to determine the role of this variant in disease. Therefore, it has been classified as a Variant of Uncertain Significance.

NM_014244.5(ADAMTS2):c.3398G>A (p.Arg1133Gln)

Gene: ADAMTS2 (ADAM metallopeptidase with thrombospondin type 1 motif 2; minus strand). Cytogenetic location: 5q35.3.
Variant type: single nucleotide variant.
Coding change: c.3398G>A on transcript NM_014244.5 (MANE Select); coding-DNA position 3398, G replaced by A.
Protein change: p.Arg1133Gln; replaces arginine 1133 with glutamine.
Molecular consequence: missense variant.
Genome position (GRCh38, 1-based): chr5:179,114,105, C>T on the plus strand (G>A on the coding strand, the complement: ADAMTS2 is on the minus strand). VCF-style: chr5-179114105-C-T. GRCh37 (hg19) VCF-style: chr5-178541106-C-T.
Other names: short protein forms R1133Q.
Identifiers: ClinVar variation 1426616 (VCV001426616.6), dbSNP rs761111411, ClinGen allele CA3595236.